The following is an entry in ClinVar:

ClinVar aggregate classification (germline): Uncertain significance (1 of 4 stars; one submission).

Conditions:
Autosomal recessive limb-girdle muscular dystrophy type 2E (LGMDR4). Also called: MUSCULAR DYSTROPHY, LIMB-GIRDLE, AUTOSOMAL RECESSIVE 4. Identifiers: Orphanet 119, MedGen C1858593, MONDO:0011423, OMIM 604286. Disease mechanism: Affects gamma-sarcoglycan and also disrupts the integrity of the entire sarcoglycan complex..

gnomAD v4.1: 1 of 1,613,866 alleles (0.000062%); no homozygotes.

Submission:

Labcorp Genetics (formerly Invitae), Labcorp
Classification: Uncertain significance for Autosomal recessive limb-girdle muscular dystrophy type 2E. Last evaluated: 2024-10-29. Review status: criteria provided, single submitter. Criteria: Invitae Variant Classification Sherloc (09022015). Collection method: clinical testing. Allele origin: germline.
Comment: This sequence change replaces methionine, which is neutral and non-polar, with isoleucine, which is neutral and non-polar, at codon 243 of the SGCB protein (p.Met243Ile). This variant is not present in population databases (gnomAD no frequency). This variant has not been reported in the literature in individuals affected with SGCB-related conditions. ClinVar contains an entry for this variant (Variation ID: 1415778). Invitae Evidence Modeling of protein sequence and biophysical properties (such as structural, functional, and spatial information, amino acid conservation, physicochemical variation, residue mobility, and thermodynamic stability) indicates that this missense variant is not expected to disrupt SGCB protein function with a negative predictive value of 80%. In summary, the available evidence is currently insufficient to determine the role of this variant in disease. Therefore, it has been classified as a Variant of Uncertain Significance.

NM_000232.5(SGCB):c.729G>C (p.Met243Ile)

Gene: SGCB (sarcoglycan beta; minus strand). Cytogenetic location: 4q12.
Variant type: single nucleotide variant.
Coding change: c.729G>C on transcript NM_000232.5 (MANE Select); coding-DNA position 729, G replaced by C.
Protein change: p.Met243Ile; replaces methionine 243 with isoleucine.
Molecular consequence: missense variant.
Genome position (GRCh38, 1-based): chr4:52,027,992, C>G on the plus strand (G>C on the coding strand, the complement: SGCB is on the minus strand). VCF-style: chr4-52027992-C-G. GRCh37 (hg19) VCF-style: chr4-52894158-C-G.
Other names: short protein forms M243I.
Identifiers: ClinVar variation 1415778 (VCV001415778.4), dbSNP rs2109369930, ClinGen allele CA356875786.